The following is an entry in ClinVar:

ClinVar aggregate classification (germline): Uncertain significance. Review status: criteria provided, multiple submitters, no conflicts (2 of 4 stars). 4 submissions from 4 submitters: Uncertain significance (4). Last evaluated 2022-08-31.

Conditions:
Donnai-Barrow syndrome. Also called: DBS/FOAR SYNDROME; FACIOOCULOACOUSTICORENAL SYNDROME. Identifiers: Orphanet 2143, MedGen C1857277, MONDO:0009104, OMIM 222448.
Inborn genetic diseases. Identifiers: MedGen C0950123, MeSH D030342.

Allele frequency attached by ClinVar (database versions not stated): gnomAD 0.00002; ExAC 0.00003; TOPMed 0.00003; gnomAD exomes 0.00004.
gnomAD v4.1: 29 of 1,613,700 alleles (0.0018%); highest among the groups gnomAD compares: Middle Eastern, 0.033%; no homozygotes.

Submissions (4):

Labcorp Genetics (formerly Invitae), Labcorp
Classification: Uncertain significance. Last evaluated: 2022-08-31. Review status: criteria provided, single submitter. Criteria: Invitae Variant Classification Sherloc (09022015). Collection method: clinical testing. Allele origin: germline.
Comment: This sequence change replaces arginine, which is basic and polar, with cysteine, which is neutral and slightly polar, at codon 2181 of the LRP2 protein (p.Arg2181Cys). This variant is present in population databases (rs759670096, gnomAD 0.02%). This variant has not been reported in the literature in individuals affected with LRP2-related conditions. ClinVar contains an entry for this variant (Variation ID: 1390243). Advanced modeling of protein sequence and biophysical properties (such as structural, functional, and spatial information, amino acid conservation, physicochemical variation, residue mobility, and thermodynamic stability) performed at Invitae indicates that this missense variant is expected to disrupt LRP2 protein function. In summary, the available evidence is currently insufficient to determine the role of this variant in disease. Therefore, it has been classified as a Variant of Uncertain Significance.

Fulgent Genetics
Classification: Uncertain significance for Donnai-Barrow syndrome. Last evaluated: 2021-10-06. Review status: criteria provided, single submitter. Criteria: ACMG Guidelines, 2015. Collection method: clinical testing. Allele origin: unknown.

Ambry Genetics
Classification: Uncertain significance for Inborn genetic diseases. Last evaluated: 2020-12-28. Review status: criteria provided, single submitter. Criteria: Ambry Variant Classification Scheme 2023. Collection method: clinical testing. Allele origin: germline.
Comment: The c.6541C>T (p.R2181C) alteration is located in exon 39 (coding exon 39) of the LRP2 gene. This alteration results from a C to T substitution at nucleotide position 6541, causing the arginine (R) at amino acid position 2181 to be replaced by a cysteine (C). The p.R2181C alteration is predicted to be deleterious by in silico analysis. Based on insufficient or conflicting evidence, the clinical significance of this alteration remains unclear.

Blueprint Genetics
Classification: Uncertain significance. Last evaluated: 2020-09-30. Review status: criteria provided, single submitter. Criteria: ACMG Guidelines, 2015. Collection method: clinical testing. Allele origin: germline.

NM_004525.3(LRP2):c.6541C>T (p.Arg2181Cys)

Gene: LRP2 (LDL receptor related protein 2; minus strand). Cytogenetic location: 2q31.1.
Variant type: single nucleotide variant.
Coding change: c.6541C>T on transcript NM_004525.3 (MANE Select); coding-DNA position 6541, C replaced by T.
Protein change: p.Arg2181Cys; replaces arginine 2181 with cysteine.
Molecular consequence: missense variant.
Genome position (GRCh38, 1-based): chr2:169,207,179, G>A on the plus strand (C>T on the coding strand, the complement: LRP2 is on the minus strand). VCF-style: chr2-169207179-G-A. GRCh37 (hg19) VCF-style: chr2-170063689-G-A.
Other names: c.6541C>T (NM_004525.2); short protein forms R2181C.
Identifiers: ClinVar variation 1390243 (VCV001390243.6), dbSNP rs759670096, ClinGen allele CA1954256.
Genomic context (GRCh38, chr2:169,207,179, plus strand): 5'-TCTTGGGATCTACAACAATATGCCTAGGCATGTCCACTGTGACTTTAAGAAGAACACGGC[G>A]GTAAGTAGTATTGATCCGCAGAACTTCTATCAGTGTTTCAGAAACAAAGGCATTGGTGAA-3'
Protein context (NP_004516.2, residues 2171-2191): IEVLRINTTY[Arg2181Cys]RVLLKVTVDM